The following is an entry in ClinVar:

NM_003786.4(ABCC3):c.46-6C>T

Gene: ABCC3 (ATP binding cassette subfamily C member 3; plus strand). Cytogenetic location: 17q21.33.
Variant type: single nucleotide variant.
Coding change: c.46-6C>T on transcript NM_003786.4 (MANE Select); 6 bases into the intron before coding-DNA position 46, C replaced by T.
Molecular consequence: intron variant.
Genome position (GRCh38, 1-based): chr17:50,655,826, C>T. VCF-style: chr17-50655826-C-T. GRCh37 (hg19) VCF-style: chr17-48733187-C-T.
Other names: c.46-6C>T (NM_001144070.2).
Identifiers: ClinVar variation 2647940 (VCV002647940.24), dbSNP rs62059746, ClinGen allele CA8653935.

ClinVar aggregate classification (germline): Likely benign (1 of 4 stars; one submission).

Allele frequency attached by ClinVar (database versions not stated): 1000 Genomes Project 0.00140; 1000 Genomes Project 30x 0.00156; ESP Exome Variant Server 0.00415; TOPMed 0.00419.

Submission:

CeGaT Center for Human Genetics Tuebingen
Classification: Likely benign. Last evaluated: 2024-06-01. Review status: criteria provided, single submitter. Criteria: CeGaT Center For Human Genetics Tuebingen Variant Classification Criteria Version 2. Collection method: clinical testing. Allele origin: germline. Affected: yes. Observed: 2 variant alleles.
Comment: ABCC3: BP4, BS2